The following is an entry in ClinVar:

NM_001128840.3(CACNA1D):c.3155C>G (p.Pro1052Arg)

Gene: CACNA1D (calcium voltage-gated channel subunit alpha1 D; plus strand). Cytogenetic location: 3p21.1.
Variant type: single nucleotide variant.
Coding change: c.3155C>G on transcript NM_001128840.3 (MANE Select); coding-DNA position 3155, C replaced by G.
Protein change: p.Pro1052Arg; replaces proline 1052 with arginine.
Molecular consequence: missense variant.
Genome position (GRCh38, 1-based): chr3:53,745,863, C>G. VCF-style: chr3-53745863-C-G. GRCh37 (hg19) VCF-style: chr3-53779890-C-G.
Other names: c.3215C>G, p.Pro1072Arg (NM_000720.4); c.3155C>G, p.Pro1052Arg (NM_001128839.3); short protein forms P1052R, P1072R.
Identifiers: ClinVar variation 1962916 (VCV001962916.5), dbSNP rs2473941789, ClinGen allele CA353246810.

ClinVar aggregate classification (germline): Uncertain significance (1 of 4 stars; one submission).

Allele frequency attached by ClinVar (database versions not stated): gnomAD exomes below 0.00001.
gnomAD v4.1: 1 of 1,613,510 alleles (0.000062%); highest among the groups gnomAD compares: Non-Finnish European, 0.000085%; no homozygotes.

Submission:

Labcorp Genetics (formerly Invitae), Labcorp
Classification: Uncertain significance. Last evaluated: 2026-02-03. Review status: criteria provided, single submitter. Criteria: Invitae Variant Classification Sherloc (09022015). Collection method: clinical testing. Allele origin: germline.
Comment: This sequence change replaces proline, which is neutral and non-polar, with arginine, which is basic and polar, at codon 1072 of the CACNA1D protein (p.Pro1072Arg). This variant is not present in population databases (gnomAD no frequency). This variant has not been reported in the literature in individuals affected with CACNA1D-related conditions. ClinVar contains an entry for this variant (Variation ID: 1962916). Invitae Evidence Modeling of protein sequence and biophysical properties (such as structural, functional, and spatial information, amino acid conservation, physicochemical variation, residue mobility, and thermodynamic stability) indicates that this missense variant is not expected to disrupt CACNA1D protein function with a negative predictive value of 80%. In summary, the available evidence is currently insufficient to determine the role of this variant in disease. Therefore, it has been classified as a Variant of Uncertain Significance.